The following is an entry in ClinVar:

NM_144997.7(FLCN):c.397-16_397-12delinsTCCGT

Gene: FLCN (folliculin; minus strand). Cytogenetic location: 17p11.2.
Variant type: Indel.
Coding change: c.397-16_397-12delinsTCCGT on transcript NM_144997.7 (MANE Select); 16 bases into the intron before coding-DNA position 397 through 12 bases into the intron before coding-DNA position 397, GCCGG replaced by TCCGT.
Molecular consequence: intron variant.
Genome position (GRCh38, 1-based): chr17:17,224,155-17,224,159, CCGGC replaced by ACGGA on the plus strand (GCCGG replaced by TCCGT on the coding strand, the reverse complement: FLCN is on the minus strand). VCF-style: chr17-17224155-CCGGC-ACGGA. GRCh37 (hg19) VCF-style: chr17-17127469-CCGGC-ACGGA.
Other names: c.397-16_397-12delinsTCCGT (NM_001353231.2, NM_001353230.2, NM_144606.7); c.451-16_451-12delinsTCCGT (NM_001353229.2).
Identifiers: ClinVar variation 3773080 (VCV003773080.1).

ClinVar aggregate classification (germline): Likely benign (1 of 4 stars; one submission).

Conditions:
Birt-Hogg-Dube syndrome 1 (BHD1). Also called: FIBROFOLLICULOMAS WITH TRICHODISCOMAS AND ACROCHORDONS. Identifiers: Orphanet 122, MedGen CN375946, MONDO:0800445, OMIM 135150.

Submission:

Myriad Genetics, Inc.
Classification: Likely benign for Birt-Hogg-Dube syndrome 1. Last evaluated: 2024-10-22. Review status: criteria provided, single submitter. Criteria: Myriad Autosomal Dominant, Autosomal Recessive and X-Linked Classification Criteria (2023). Collection method: clinical testing. Allele origin: unknown.
Comment: This variant is considered likely benign. This variant is intronic and is not expected to impact mRNA splicing.